The following is an entry in ClinVar:

NM_002076.4(GNS):c.254A>G (p.Tyr85Cys)

Gene: GNS (glucosamine (N-acetyl)-6-sulfatase; minus strand). Cytogenetic location: 12q14.3.
Variant type: single nucleotide variant.
Coding change: c.254A>G on transcript NM_002076.4 (MANE Select); coding-DNA position 254, A replaced by G.
Protein change: p.Tyr85Cys; replaces tyrosine 85 with cysteine.
Molecular consequence: missense variant.
Genome position (GRCh38, 1-based): chr12:64,747,917, T>C on the plus strand (A>G on the coding strand, the complement: GNS is on the minus strand). VCF-style: chr12-64747917-T-C. GRCh37 (hg19) VCF-style: chr12-65141697-T-C.
Other names: c.254A>G (NM_002076.3); short protein forms Y85C.
Identifiers: ClinVar variation 1965525 (VCV001965525.6), dbSNP rs2539528083, ClinGen allele CA385611368.

ClinVar aggregate classification (germline): Uncertain significance. Review status: criteria provided, single submitter (1 of 4 stars). 2 submissions from 2 submitters: Uncertain significance (1). 1 of the submissions does not count toward it. Last evaluated 2023-09-10.

Conditions:
Sanfilippo syndrome. Also called: Mucopolysaccharidosis type 3; Mucopolysaccharidosis Type III; Sanfilippo disease. Identifiers: Orphanet 581, MedGen C0026706, MONDO:0018937.
Mucopolysaccharidosis, MPS-III-D (MPS3D). Also called: N-ACETYLGLUCOSAMINE-6-SULFATASE DEFICIENCY; SANFILIPPO SYNDROME D; MPS III D; Mucopoly-saccharidosis type 3D; N-acetylglucosamine-6-sulfate sulfatase deficiency; MPS 3D. Identifiers: Orphanet 581, Orphanet 79272, MedGen C0086650, MONDO:0009658, OMIM 252940.

Allele frequency attached by ClinVar (database versions not stated): gnomAD exomes below 0.00001.
gnomAD v4.1: 1 of 1,573,130 alleles (0.000064%); highest among the groups gnomAD compares: African/African-American, 0.0013%; no homozygotes.

Submissions (2):

Labcorp Genetics (formerly Invitae), Labcorp
Classification: Uncertain significance for Mucopolysaccharidosis, MPS-III-D. Last evaluated: 2023-09-10. Review status: criteria provided, single submitter. Criteria: Invitae Variant Classification Sherloc (09022015). Collection method: clinical testing. Allele origin: germline.
Comment: In summary, the available evidence is currently insufficient to determine the role of this variant in disease. Therefore, it has been classified as a Variant of Uncertain Significance. This variant has not been reported in the literature in individuals affected with GNS-related conditions. This sequence change replaces tyrosine, which is neutral and polar, with cysteine, which is neutral and slightly polar, at codon 85 of the GNS protein (p.Tyr85Cys). This variant is not present in population databases (gnomAD no frequency). ClinVar contains an entry for this variant (Variation ID: 1965525). An algorithm developed to predict the effect of missense changes on protein structure and function (PolyPhen-2) suggests that this variant is likely to be disruptive.

Natera, Inc.
Classification: Uncertain significance for Sanfilippo disease. Last evaluated: 2025-02-19. Review status: no assertion criteria provided. Collection method: clinical testing. Allele origin: germline. Not counted in ClinVar's aggregate classification.